The following is an entry in ClinVar:

NM_000548.5(TSC2):c.323T>C (p.Ile108Thr)

Gene: TSC2 (TSC complex subunit 2; plus strand). Cytogenetic location: 16p13.3.
Variant type: single nucleotide variant.
Coding change: c.323T>C on transcript NM_000548.5 (MANE Select); coding-DNA position 323, T replaced by C.
Protein change: p.Ile108Thr; replaces isoleucine 108 with threonine.
Molecular consequence: missense variant. On other transcripts: intron variant (2).
Genome position (GRCh38, 1-based): chr16:2,053,439, T>C. VCF-style: chr16-2053439-T-C. GRCh37 (hg19) VCF-style: chr16-2103440-T-C.
Other names: c.323T>C, p.Ile108Thr (NM_001077183.3, NM_001114382.3, NM_001363528.2 and 3 more transcripts); c.176T>C, p.Ile59Thr (NM_001318829.2); c.356T>C, p.Ile119Thr (NM_001318832.2); c.226-857T>C (NM_001318827.2); c.-1-2757T>C (NM_001318831.2); short protein forms I108T, I119T, I59T.
Identifiers: ClinVar variation 950316 (VCV000950316.9), dbSNP rs1233900284, ClinGen allele CA394305999.
Genomic context (GRCh38, chr16:2,053,439, plus strand): 5'-TGTTGCAGCCGGAGCGGCCGCTGGAGGCCCGGCACGCGGTGCTGGCTCTGCTGAAGGCCA[T>C]CGTGCAGGGGCAGGTAAGGCCCAGGGCGACGCTGGGATGGGTGACGTCAGGCTGCCCACT-3'
Protein context (NP_000539.2, residues 98-118): RHAVLALLKA[Ile108Thr]VQGQGERLGV

ClinVar aggregate classification (germline): Uncertain significance (1 of 4 stars; one submission).

Conditions:
Tuberous sclerosis 2 (TSC2). Identifiers: Orphanet 805, MedGen C1860707, MONDO:0013199, OMIM 613254.

Allele frequency attached by ClinVar (database versions not stated): TOPMed below 0.00001; gnomAD 0.00001.

Submission:

Labcorp Genetics (formerly Invitae), Labcorp
Classification: Uncertain significance for Tuberous sclerosis 2. Last evaluated: 2019-07-25. Review status: criteria provided, single submitter. Criteria: Invitae Variant Classification Sherloc (09022015). Collection method: clinical testing. Allele origin: germline.
Comment: This sequence change replaces isoleucine with threonine at codon 108 of the TSC2 protein (p.Ile108Thr). The isoleucine residue is moderately conserved and there is a moderate physicochemical difference between isoleucine and threonine. This variant is not present in population databases (ExAC no frequency). This variant has not been reported in the literature in individuals with TSC2-related conditions. Algorithms developed to predict the effect of missense changes on protein structure and function are either unavailable or do not agree on the potential impact of this missense change (SIFT: "Deleterious"; PolyPhen-2: "Benign"; Align-GVGD: "Class C0"). In summary, the available evidence is currently insufficient to determine the role of this variant in disease. Therefore, it has been classified as a Variant of Uncertain Significance.